The following is an entry in ClinVar:

ClinVar aggregate classification (germline): Uncertain significance (1 of 4 stars; one submission).

Submission:

CeGaT Center for Human Genetics Tuebingen
Classification: Uncertain significance. Last evaluated: 2024-06-01. Review status: criteria provided, single submitter. Criteria: CeGaT Center For Human Genetics Tuebingen Variant Classification Criteria Version 2. Collection method: clinical testing. Allele origin: germline. Affected: yes. Observed: 1 variant allele.
Comment: AFF2: PM2, PP3

NM_002025.4(AFF2):c.3497T>C (p.Leu1166Pro)

Gene: AFF2 (ALF transcription elongation factor 2; plus strand). Cytogenetic location: Xq28.
Variant type: single nucleotide variant.
Coding change: c.3497T>C on transcript NM_002025.4 (MANE Select); coding-DNA position 3497, T replaced by C.
Protein change: p.Leu1166Pro; replaces leucine 1166 with proline.
Molecular consequence: missense variant.
Genome position (GRCh38, 1-based): chrX:148,978,382, T>C. VCF-style: chrX-148978382-T-C. GRCh37 (hg19) VCF-style: chrX-148059912-T-C.
Other names: c.3392T>C, p.Leu1131Pro (NM_001169122.2, NM_001169124.2); c.3467T>C, p.Leu1156Pro (NM_001169123.2); c.3380T>C, p.Leu1127Pro (NM_001169125.2); c.2420T>C, p.Leu807Pro (NM_001170628.1); short protein forms L1127P, L1131P, L1156P, L1166P, L807P.
Identifiers: ClinVar variation 3251017 (VCV003251017.18), dbSNP rs2521980405.